The following is an entry in ClinVar:

NM_005585.5(SMAD6):c.152A>C (p.Glu51Ala)

Gene: SMAD6 (SMAD family member 6; plus strand). Cytogenetic location: 15q22.31.
Variant type: single nucleotide variant.
Coding change: c.152A>C on transcript NM_005585.5 (MANE Select); coding-DNA position 152, A replaced by C.
Protein change: p.Glu51Ala; replaces glutamic acid 51 with alanine.
Molecular consequence: missense variant. On other transcripts: non-coding transcript variant (1).
Genome position (GRCh38, 1-based): chr15:66,703,410, A>C. VCF-style: chr15-66703410-A-C. GRCh37 (hg19) VCF-style: chr15-66995748-A-C.
Other names: short protein forms E51A.
Identifiers: ClinVar variation 3445886 (VCV003445886.1).
Genomic context (GRCh38, chr15:66,703,410, plus strand): 5'-GTGGCGGCGACGAGGATGGGAGCTTGGGCAGCCGAGCTGAGCCGGCCCCGCGGGCAAGAG[A>C]GGGCGGAGGCTGCGGCCGCTCCGAAGTCCGCCCGGTAGCCCCGCGGCGGCCCCGGGACGC-3'
Protein context (NP_005576.3, residues 41-61): SRAEPAPRAR[Glu51Ala]GGGCGRSEVR

ClinVar aggregate classification (germline): Uncertain significance (1 of 4 stars; one submission).

Conditions:
Inborn genetic diseases. Identifiers: MedGen C0950123, MeSH D030342.

Submission:

Ambry Genetics
Classification: Uncertain significance for Inborn genetic diseases. Last evaluated: 2024-10-27. Review status: criteria provided, single submitter. Criteria: Ambry Variant Classification Scheme 2023. Collection method: clinical testing. Allele origin: germline.
Comment: The p.E51A variant (also known as c.152A>C), located in coding exon 1 of the SMAD6 gene, results from an A to C substitution at nucleotide position 152. The glutamic acid at codon 51 is replaced by alanine, an amino acid with dissimilar properties. This amino acid position is conserved. In addition, this alteration is predicted to be tolerated by in silico analysis. Based on the available evidence, the clinical significance of this variant remains unclear.